The following is an entry in ClinVar:

ClinVar aggregate classification (germline): Uncertain significance (1 of 4 stars; one submission).

Conditions:
Baller-Gerold syndrome (BGS). Also called: CRANIOSYNOSTOSIS WITH RADIAL DEFECTS. Identifiers: Orphanet 1225, MedGen C0265308, MONDO:0009039, OMIM 218600.

Allele frequency attached by ClinVar (database versions not stated): ExAC 0.00001; gnomAD 0.00001; gnomAD exomes 0.00001; TOPMed 0.00002.
gnomAD v4.1: 18 of 1,612,268 alleles (0.0011%); highest among the groups gnomAD compares: East Asian, 0.0067%; no homozygotes.

Submission:

Labcorp Genetics (formerly Invitae), Labcorp
Classification: Uncertain significance for Baller-Gerold syndrome. Last evaluated: 2022-08-09. Review status: criteria provided, single submitter. Criteria: Invitae Variant Classification Sherloc (09022015). Collection method: clinical testing. Allele origin: germline.
Comment: This sequence change affects a donor splice site in intron 20 of the RECQL4 gene. While this variant is not anticipated to result in nonsense mediated decay, it likely alters RNA splicing and results in a disrupted protein product. This variant is present in population databases (rs757563486, gnomAD 0.003%). This variant has not been reported in the literature in individuals affected with RECQL4-related conditions. ClinVar contains an entry for this variant (Variation ID: 407013). Variants that disrupt the consensus splice site are a relatively common cause of aberrant splicing (PMID: 17576681, 9536098). Algorithms developed to predict the effect of sequence changes on RNA splicing suggest that this variant may disrupt the consensus splice site. In summary, the available evidence is currently insufficient to determine the role of this variant in disease. Therefore, it has been classified as a Variant of Uncertain Significance.

Literature cited by the submitters: PubMed 17576681; PubMed 9536098.

NM_004260.4(RECQL4):c.3502+1G>C

Gene: RECQL4 (RecQ like helicase 4; minus strand). Cytogenetic location: 8q24.3.
Variant type: single nucleotide variant.
Coding change: c.3502+1G>C on transcript NM_004260.4 (MANE Select); the canonical splice donor site of the intron after coding-DNA position 3502, G replaced by C.
Molecular consequence: splice donor variant.
Genome position (GRCh38, 1-based): chr8:144,511,680, C>G on the plus strand (G>C on the coding strand, the complement: RECQL4 is on the minus strand). VCF-style: chr8-144511680-C-G. GRCh37 (hg19) VCF-style: chr8-145737063-C-G.
Other names: c.2365+1G>C (NM_001413027.1, NM_001413030.1, NM_001413032.1); c.3472+1G>C (NM_001413039.1); c.3370+1G>C (NM_001413033.1); c.3304+1G>C (NM_001413018.1); c.3511+1G>C (NM_001413036.1); c.3577+1G>C (NM_001413019.1); c.2431+1G>C (NM_001413040.1, NM_001413021.1, NM_001413024.1 and 4 more transcripts); c.2035+1G>C (NM_001413043.1); and 9 more.
Identifiers: ClinVar variation 407013 (VCV000407013.6), dbSNP rs757563486, ClinGen allele CA4947710.